The following is an entry in ClinVar:

NM_003476.5(CSRP3):c.143C>A (p.Thr48Lys)

Gene: CSRP3 (cysteine and glycine rich protein 3; minus strand). Cytogenetic location: 11p15.1.
Variant type: single nucleotide variant.
Coding change: c.143C>A on transcript NM_003476.5 (MANE Select); coding-DNA position 143, C replaced by A.
Protein change: p.Thr48Lys; replaces threonine 48 with lysine.
Molecular consequence: missense variant. On other transcripts: intron variant (1).
Genome position (GRCh38, 1-based): chr11:19,188,274, G>T on the plus strand (C>A on the coding strand, the complement: CSRP3 is on the minus strand). VCF-style: chr11-19188274-G-T. GRCh37 (hg19) VCF-style: chr11-19209821-G-T.
Other names: c.113-1926C>A (NM_001369404.1); short protein forms T48K.
Identifiers: ClinVar variation 1479109 (VCV001479109.6), dbSNP rs1850561050, ClinGen allele CA379888388.
Genomic context (GRCh38, chr11:19,188,274, plus strand): 5'-GGGCCATATCTGCGCCCATAGCACACCTTGCAGTAGATCTCCGACTCATGAGCCGCGACT[G>T]TCGTGCTGTCAAGAGCCTTCCTGCAGGCCACTGCCAGGAAAAGGAAGGGTCATGGGATTG-3'
Protein context (NP_003467.1, residues 38-58): MACRKALDST[Thr48Lys]VAAHESEIYC

ClinVar aggregate classification (germline): Uncertain significance (1 of 4 stars; one submission).

Conditions:
Hypertrophic cardiomyopathy 12. Identifiers: MedGen C2677491, MONDO:0012804, OMIM 612124.
Dilated cardiomyopathy 1M (CMD1M). Identifiers: Orphanet 154, MedGen C1843808, MONDO:0011840, OMIM 607482.

Submission:

Labcorp Genetics (formerly Invitae), Labcorp
Classification: Uncertain significance for Hypertrophic cardiomyopathy 12; Dilated cardiomyopathy 1M. Last evaluated: 2021-10-06. Review status: criteria provided, single submitter. Criteria: Invitae Variant Classification Sherloc (09022015). Collection method: clinical testing. Allele origin: germline.
Comment: In summary, the available evidence is currently insufficient to determine the role of this variant in disease. Therefore, it has been classified as a Variant of Uncertain Significance. Algorithms developed to predict the effect of missense changes on protein structure and function are either unavailable or do not agree on the potential impact of this missense change (SIFT: "Deleterious"; PolyPhen-2: "Probably Damaging"; Align-GVGD: "Class C0"). This variant has not been reported in the literature in individuals affected with CSRP3-related conditions. This variant is not present in population databases (ExAC no frequency). This sequence change replaces threonine with lysine at codon 48 of the CSRP3 protein (p.Thr48Lys). The threonine residue is highly conserved and there is a moderate physicochemical difference between threonine and lysine.